The following is an entry in ClinVar:

ClinVar aggregate classification (germline): Uncertain significance (1 of 4 stars; one submission).

Conditions:
Aortic valve disease 2 (AOVD2). Identifiers: MedGen C3542024, MONDO:0013902, OMIM 614823.

Submission:

Labcorp Genetics (formerly Invitae), Labcorp
Classification: Uncertain significance for Aortic valve disease 2. Last evaluated: 2025-12-23. Review status: criteria provided, single submitter. Criteria: Invitae Variant Classification Sherloc (09022015). Collection method: clinical testing. Allele origin: germline.
Comment: This sequence change replaces glutamic acid, which is acidic and polar, with glycine, which is neutral and non-polar, at codon 407 of the SMAD6 protein (p.Glu407Gly). This variant is not present in population databases (gnomAD no frequency). This variant has not been reported in the literature in individuals affected with SMAD6-related conditions. Invitae Evidence Modeling of protein sequence and biophysical properties (such as structural, functional, and spatial information, amino acid conservation, physicochemical variation, residue mobility, and thermodynamic stability) indicates that this missense variant is not expected to disrupt SMAD6 protein function with a negative predictive value of 80%. In summary, the available evidence is currently insufficient to determine the role of this variant in disease. Therefore, it has been classified as a Variant of Uncertain Significance.

NM_005585.5(SMAD6):c.1220A>G (p.Glu407Gly)

Gene: SMAD6 (SMAD family member 6; plus strand). Cytogenetic location: 15q22.31.
Variant type: single nucleotide variant.
Coding change: c.1220A>G on transcript NM_005585.5 (MANE Select); coding-DNA position 1220, A replaced by G.
Protein change: p.Glu407Gly; replaces glutamic acid 407 with glycine.
Molecular consequence: missense variant. On other transcripts: non-coding transcript variant (1).
Genome position (GRCh38, 1-based): chr15:66,781,264, A>G. VCF-style: chr15-66781264-A-G. GRCh37 (hg19) VCF-style: chr15-67073602-A-G.
Other names: short protein forms E407G.
Identifiers: ClinVar variation 4739558 (VCV004739558.1).